The following is an entry in ClinVar:

ClinVar aggregate classification (germline): Conflicting classifications of pathogenicity. Review status: criteria provided, conflicting classifications (1 of 4 stars). 4 submissions from 4 submitters: Uncertain significance (3); Likely benign (1). Last evaluated 2024-06-01.

Conditions:
Inborn genetic diseases. Identifiers: MedGen C0950123, MeSH D030342.
Renal hypomagnesemia 5 with ocular involvement. Also called: HYPOMAGNESEMIA, FAMILIAL, WITH HYPERCALCIURIA, NEPHROCALCINOSIS, AND SEVERE OCULAR INVOLVEMENT; MACULAR COLOBOMA, BILATERAL, WITH HYPERCALCIURIA; HYPOMAGNESEMIA 5, RENAL, WITH OR WITHOUT OCULAR INVOLVEMENT; FHHNC WITH SEVERE OCULAR INVOLVEMENT. Identifiers: Orphanet 2196, MedGen C4721891, MONDO:0009548, OMIM 248190.

Allele frequency attached by ClinVar (database versions not stated): gnomAD 0.00002 and 0.00003; TOPMed 0.00008; gnomAD exomes 0.00011; ExAC 0.00013.
gnomAD v4.1: 97 of 1,575,386 alleles (0.0062%); highest among the groups gnomAD compares: East Asian, 0.0069%; no homozygotes.

Submissions (4):

Fulgent Genetics
Classification: Uncertain significance for Renal hypomagnesemia 5 with ocular involvement. Last evaluated: 2024-06-01. Review status: criteria provided, single submitter. Criteria: ACMG Guidelines, 2015. Collection method: clinical testing. Allele origin: germline.

GeneDx
Classification: Uncertain significance. Last evaluated: 2024-04-30. Review status: criteria provided, single submitter. Criteria: GeneDx Variant Classification Process June 2021. Collection method: clinical testing. Allele origin: germline. Affected: yes.
Comment: In silico analysis indicates that this missense variant does not alter protein structure/function; Has not been previously published as pathogenic or benign to our knowledge

Ambry Genetics
Classification: Likely benign for Inborn genetic diseases. Last evaluated: 2023-04-05. Review status: criteria provided, single submitter. Criteria: Ambry Variant Classification Scheme 2023. Collection method: clinical testing. Allele origin: germline.

Labcorp Genetics (formerly Invitae), Labcorp
Classification: Uncertain significance. Last evaluated: 2022-08-23. Review status: criteria provided, single submitter. Criteria: Invitae Variant Classification Sherloc (09022015). Collection method: clinical testing. Allele origin: germline.
Comment: This sequence change replaces valine, which is neutral and non-polar, with methionine, which is neutral and non-polar, at codon 176 of the CLDN19 protein (p.Val176Met). This variant is present in population databases (rs772247940, gnomAD 0.2%). This variant has not been reported in the literature in individuals affected with CLDN19-related conditions. ClinVar contains an entry for this variant (Variation ID: 954207). Algorithms developed to predict the effect of missense changes on protein structure and function output the following: SIFT: "Tolerated"; PolyPhen-2: "Benign"; Align-GVGD: "Class C0". The methionine amino acid residue is found in multiple mammalian species, which suggests that this missense change does not adversely affect protein function. In summary, the available evidence is currently insufficient to determine the role of this variant in disease. Therefore, it has been classified as a Variant of Uncertain Significance.

NM_148960.3(CLDN19):c.526G>A (p.Val176Met)

Gene: CLDN19 (claudin 19; minus strand). Cytogenetic location: 1p34.2.
Variant type: single nucleotide variant.
Coding change: c.526G>A on transcript NM_148960.3 (MANE Select); coding-DNA position 526, G replaced by A.
Protein change: p.Val176Met; replaces valine 176 with methionine.
Molecular consequence: missense variant. On other transcripts: synonymous variant (1).
Genome position (GRCh38, 1-based): chr1:42,735,978, C>T on the plus strand (G>A on the coding strand, the complement: CLDN19 is on the minus strand). VCF-style: chr1-42735978-C-T. GRCh37 (hg19) VCF-style: chr1-43201649-C-T.
Other names: c.526G>A, p.Val176Met (NM_001123395.2); c.441G>A, p.Pro147= (NM_001185117.2); short protein forms V176M.
Identifiers: ClinVar variation 954207 (VCV000954207.11), dbSNP rs772247940, ClinGen allele CA801350.